The following is an entry in ClinVar:

NM_000088.4(COL1A1):c.3091G>A (p.Gly1031Ser)

Gene: COL1A1 (collagen type I alpha 1 chain; minus strand). Cytogenetic location: 17q21.33.
Variant type: single nucleotide variant.
Coding change: c.3091G>A on transcript NM_000088.4 (MANE Select); coding-DNA position 3091, G replaced by A.
Protein change: p.Gly1031Ser; replaces glycine 1031 with serine.
Molecular consequence: missense variant.
Genome position (GRCh38, 1-based): chr17:50,188,750, C>T on the plus strand (G>A on the coding strand, the complement: COL1A1 is on the minus strand). VCF-style: chr17-50188750-C-T. GRCh37 (hg19) VCF-style: chr17-48266111-C-T.
Other names: short protein forms G1031S.
Identifiers: ClinVar variation 4075330 (VCV004075330.1).

ClinVar aggregate classification (germline): Likely pathogenic (1 of 4 stars; one submission).

Conditions:
Osteogenesis imperfecta type III (OI3). Also called: Progressively Deforming Osteogenesis Imperfecta; Osteogenesis imperfecta type 3; OI type 3; Osteogenesis imperfecta, progressively deforming with normal sclerae; OI type III. Identifiers: Orphanet 216812, Orphanet 666, MedGen C0268362, MONDO:0009804, OMIM 259420.

Submission:

Clinical Biomedical Laboratory, Shriners Hospital For Children - Canada
Classification: Likely pathogenic for Osteogenesis imperfecta type III. Last evaluated: 2025-07-16. Review status: criteria provided, single submitter. Criteria: ACMG Guidelines, 2015. Collection method: clinical testing. Allele origin: germline. Affected: yes.
Comment: This variant is predicted to substitute a glycine residue by a serine residue in the triple helical domain of the collagen type I alpha 1 chain. In the Genome Aggregation Database (gnomAD v2.1.1) this variant is not present, indicating it is very rare. Computational tools (REVEL: 0.964) suggest that the amino acid change is damaging to protein function. Glycine substitutions in the triple helical domain of the collagen type I alpha 1 chain cause disruption in the formation of the triple helix in the collagen type I molecule and are a typical cause of osteogenesis imperfecta (PMID 27509835).

Literature cited by the submitters: PubMed 27509835.